The following is an entry in ClinVar:

NM_016239.4(MYO15A):c.4717G>A (p.Ala1573Thr)

Gene: MYO15A (myosin XVA; plus strand). Cytogenetic location: 17p11.2.
Variant type: single nucleotide variant.
Coding change: c.4717G>A on transcript NM_016239.4 (MANE Select); coding-DNA position 4717, G replaced by A.
Protein change: p.Ala1573Thr; replaces alanine 1573 with threonine.
Molecular consequence: missense variant.
Genome position (GRCh38, 1-based): chr17:18,136,624, G>A. VCF-style: chr17-18136624-G-A. GRCh37 (hg19) VCF-style: chr17-18039938-G-A.
Other names: c.4717G>A (NM_016239.3); short protein forms A1573T.
Identifiers: ClinVar variation 1594455 (VCV001594455.9), dbSNP rs760537217, ClinGen allele CA8424005.

ClinVar aggregate classification (germline): Conflicting classifications of pathogenicity. Review status: criteria provided, conflicting classifications (1 of 4 stars). 2 submissions from 2 submitters: Uncertain significance (1); Likely benign (1). Last evaluated 2026-04-29.

Conditions:
MYO15A-related disorder. Also called: MYO15A-related condition.

Allele frequency attached by ClinVar (database versions not stated): gnomAD exomes 0.00003 and 0.00010; TOPMed 0.00005; gnomAD 0.00007 and 0.00008; ExAC 0.00009.
gnomAD v4.1: 50 of 1,613,584 alleles (0.0031%); highest among the groups gnomAD compares: Admixed American, 0.033%; no homozygotes.

Submissions (2):

PreventionGenetics, part of Exact Sciences
Classification: Uncertain significance for MYO15A-related condition. Last evaluated: 2026-04-29. Review status: criteria provided, single submitter. Criteria: ACMG Guidelines, 2015. Collection method: clinical testing. Allele origin: germline.
Comment: The MYO15A c.4717G>A variant is predicted to result in the amino acid substitution p.Ala1573Thr. To our knowledge, this variant has not been reported in the literature. This variant is reported in 0.048% of alleles in individuals of Latino descent in gnomAD. At this time, the clinical significance of this variant is uncertain due to the absence of conclusive functional and genetic evidence.

Labcorp Genetics (formerly Invitae), Labcorp
Classification: Likely benign. Last evaluated: 2026-01-18. Review status: criteria provided, single submitter. Criteria: Invitae Variant Classification Sherloc (09022015). Collection method: clinical testing. Allele origin: germline.